The following is an entry in ClinVar:

ClinVar aggregate classification (germline): Likely pathogenic. Review status: criteria provided, multiple submitters, no conflicts (2 of 4 stars). 3 submissions from 3 submitters: Likely pathogenic (3). Last evaluated 2025-06-26.

Conditions:
Cardiovascular phenotype. Identifiers: MedGen CN230736.
Dilated cardiomyopathy 1S (CMD1S). Identifiers: Orphanet 154, Orphanet 54260, MedGen C1834481, MONDO:0013262, OMIM 613426.
MYH7-related skeletal myopathy. Also called: Laing distal myopathy; Laing early-onset distal myopathy; Myopathy, distal, 1; MYOPATHY, DISTAL, EARLY-ONSET, AUTOSOMAL DOMINANT; MYOPATHY, LATE DISTAL HEREDITARY. Identifiers: Orphanet 59135, MedGen C4552004, MONDO:0008050, OMIM 160500.
Hypertrophic cardiomyopathy 1 (CMH1). Also called: Familial hypertrophic cardiomyopathy 1; MYH7-Related Familial Hypertrophic Cardiomyopathy. Identifiers: MedGen C3495498, MONDO:0008647, OMIM 192600.
Myosin storage myopathy (CMYO7A). Also called: MYH7-related late-onset scapuloperoneal muscular dystrophy; Congenital myopathy 7A, myosin storage, autosomal dominant; SCAPULOPERONEAL MUSCULAR DYSTROPHY; SCAPULOPERONEAL SYNDROME, MYOPATHIC TYPE; MYOPATHY, HYALINE BODY, AUTOSOMAL DOMINANT; Scapuloperoneal myopathy, MYH7-related. Identifiers: Orphanet 437572, Orphanet 636965, MedGen C1842160, MONDO:0008409, OMIM 608358.
Hypertrophic cardiomyopathy. Also called: HYPERTROPHIC MYOCARDIOPATHY. Identifiers: Orphanet 217569, MedGen C0007194, MeSH D002312, MONDO:0005045, HP:0001639.

Submissions (3):

Ambry Genetics
Classification: Likely pathogenic for Cardiovascular phenotype. Last evaluated: 2025-06-26. Review status: criteria provided, single submitter. Criteria: Ambry Variant Classification Scheme 2023. Collection method: clinical testing. Allele origin: germline.
Comment: The p.M515T variant (also known as c.1544T>C), located in coding exon 13 of the MYH7 gene, results from a T to C substitution at nucleotide position 1544. The methionine at codon 515 is replaced by threonine, an amino acid with similar properties. This alteration is located in the myosin head domain, which contains a statistically significant clustering of pathogenic missense variants (Homburger JR et al. Proc Natl Acad Sci U S A, 2016 06;113:6701-6; Walsh R et al. Genet Med, 2017 02;19:192-203; Ambry internal data). This variant was reported in individual(s) with features consistent with hypertrophic cardiomyopathy (Rai TS et al. Mol Cell Biochem, 2009 Jan;321:189-96; Lee H et al. JAMA, 2014 Nov;312:1880-7; Earle N et al. J Cardiovasc Electrophysiol, 2015 Dec;26:1346-51; Walsh R et al. Genet Med, 2017 Feb;19:192-203; Norrish G et al. Circulation, 2019 Jul;140:184-192; Ambry internal data). This amino acid position is highly conserved in available vertebrate species. In addition, this alteration is predicted to be deleterious by in silico analysis. This variant is considered to be rare based on population cohorts in the Genome Aggregation Database (gnomAD). Based on the majority of available evidence to date, this variant is likely to be pathogenic.

Labcorp Genetics (formerly Invitae), Labcorp
Classification: Likely pathogenic for Hypertrophic cardiomyopathy. Last evaluated: 2024-01-13. Review status: criteria provided, single submitter. Criteria: Invitae Variant Classification Sherloc (09022015). Collection method: clinical testing. Allele origin: germline.
Comment: This sequence change replaces methionine, which is neutral and non-polar, with threonine, which is neutral and polar, at codon 515 of the MYH7 protein (p.Met515Thr). This variant is not present in population databases (gnomAD no frequency). This missense change has been observed in individual(s) with clinical features of MYH7-related conditions (PMID: 18953637, 25326637, 27532257). ClinVar contains an entry for this variant (Variation ID: 216968). Advanced modeling of protein sequence and biophysical properties (such as structural, functional, and spatial information, amino acid conservation, physicochemical variation, residue mobility, and thermodynamic stability) performed at Invitae indicates that this missense variant is expected to disrupt MYH7 protein function with a positive predictive value of 95%. This variant disrupts the p.Met515 amino acid residue in MYH7. Other variant(s) that disrupt this residue have been determined to be pathogenic (PMID: 15358028; Invitae). This suggests that this residue is clinically significant, and that variants that disrupt this residue are likely to be disease-causing. In summary, the currently available evidence indicates that the variant is pathogenic, but additional data are needed to prove that conclusively. Therefore, this variant has been classified as Likely Pathogenic.

UCLA Clinical Genomics Center, UCLA
Classification: Likely pathogenic for Dilated cardiomyopathy 1S; Familial hypertrophic cardiomyopathy 1; Myopathy, distal, 1; Myopathy, myosin storage; Scapuloperoneal myopathy, MYH7-related. Last evaluated: 2012-12-04. Review status: criteria provided, single submitter. Criteria: Lee et al. (JAMA. 2014). Collection method: clinical testing. Allele origin: unknown. Inheritance: Autosomal dominant inheritance. Affected: yes. Study: CES.

Literature cited by the submitters: PubMed 18953637 (cited by Ambry Genetics and Labcorp Genetics (formerly Invitae), Labcorp); PubMed 25326637 (cited by Ambry Genetics and Labcorp Genetics (formerly Invitae), Labcorp); PubMed 26332198 (cited by Ambry Genetics); PubMed 27532257 (cited by Ambry Genetics and Labcorp Genetics (formerly Invitae), Labcorp); PubMed 31006259 (cited by Ambry Genetics); PubMed 15358028 (cited by Labcorp Genetics (formerly Invitae), Labcorp).

NM_000257.4(MYH7):c.1544T>C (p.Met515Thr)

Gene: MYH7 (myosin heavy chain 7; minus strand). Cytogenetic location: 14q11.2.
Variant type: single nucleotide variant.
Coding change: c.1544T>C on transcript NM_000257.4 (MANE Select); coding-DNA position 1544, T replaced by C.
Protein change: p.Met515Thr; replaces methionine 515 with threonine.
Molecular consequence: missense variant.
Genome position (GRCh38, 1-based): chr14:23,428,534, A>G on the plus strand (T>C on the coding strand, the complement: MYH7 is on the minus strand). VCF-style: chr14-23428534-A-G. GRCh37 (hg19) VCF-style: chr14-23897743-A-G.
Other names: c.1544T>C (LRG_384t1); short protein forms M515T.
Identifiers: ClinVar variation 216968 (VCV000216968.7), dbSNP rs863224900, ClinGen allele CA278943.